The following is an entry in ClinVar:

ClinVar aggregate classification (germline): Uncertain significance (1 of 4 stars; one submission).

Conditions:
Autosomal recessive limb-girdle muscular dystrophy type 2Y (MRRSDC). Also called: Muscular dystrophy, limb-girdle, type 2y; Muscular dystrophy, autosomal recessive, with rigid spine and distal joint contractures. Identifiers: Orphanet 424261, MedGen C4511482, MONDO:0014900, OMIM 617072.

Allele frequency attached by ClinVar (database versions not stated): gnomAD 0.00001; gnomAD exomes 0.00001; TOPMed 0.00001.
gnomAD v4.1: 12 of 1,613,256 alleles (0.00074%); highest among the groups gnomAD compares: African/African-American, 0.004%; no homozygotes.

Submission:

Labcorp Genetics (formerly Invitae), Labcorp
Classification: Uncertain significance for Autosomal recessive limb-girdle muscular dystrophy type 2Y. Last evaluated: 2022-07-29. Review status: criteria provided, single submitter. Criteria: Invitae Variant Classification Sherloc (09022015). Collection method: clinical testing. Allele origin: germline.
Comment: This sequence change replaces arginine, which is basic and polar, with glutamine, which is neutral and polar, at codon 322 of the TOR1AIP1 protein (p.Arg322Gln). This variant is present in population databases (no rsID available, gnomAD 0.003%). This variant has not been reported in the literature in individuals affected with TOR1AIP1-related conditions. ClinVar contains an entry for this variant (Variation ID: 570112). Algorithms developed to predict the effect of missense changes on protein structure and function output the following: SIFT: "Tolerated"; PolyPhen-2: "Benign"; Align-GVGD: "Class C0". The glutamine amino acid residue is found in multiple mammalian species, which suggests that this missense change does not adversely affect protein function. In summary, the available evidence is currently insufficient to determine the role of this variant in disease. Therefore, it has been classified as a Variant of Uncertain Significance.

NM_015602.4(TOR1AIP1):c.962G>A (p.Arg321Gln)

Gene: TOR1AIP1 (torsin 1A interacting protein 1; plus strand). Cytogenetic location: 1q25.2.
Variant type: single nucleotide variant.
Coding change: c.962G>A on transcript NM_015602.4 (MANE Select); coding-DNA position 962, G replaced by A.
Protein change: p.Arg321Gln; replaces arginine 321 with glutamine.
Molecular consequence: missense variant.
Genome position (GRCh38, 1-based): chr1:179,914,052, G>A. VCF-style: chr1-179914052-G-A. GRCh37 (hg19) VCF-style: chr1-179883187-G-A.
Other names: c.965G>A, p.Arg322Gln (NM_001267578.2); short protein forms R322Q, R321Q.
Identifiers: ClinVar variation 570112 (VCV000570112.6), dbSNP rs1045988718, ClinGen allele CA33687048.